The following is an entry in ClinVar:

NM_001041.4(SI):c.2966G>A (p.Arg989His)

Gene: SI (sucrase-isomaltase; minus strand). Cytogenetic location: 3q26.1.
Variant type: single nucleotide variant.
Coding change: c.2966G>A on transcript NM_001041.4 (MANE Select); coding-DNA position 2966, G replaced by A.
Protein change: p.Arg989His; replaces arginine 989 with histidine.
Molecular consequence: missense variant.
Genome position (GRCh38, 1-based): chr3:165,023,703, C>T on the plus strand (G>A on the coding strand, the complement: SI is on the minus strand). VCF-style: chr3-165023703-C-T. GRCh37 (hg19) VCF-style: chr3-164741491-C-T.
Other names: short protein forms R989H.
Identifiers: ClinVar variation 900631 (VCV000900631.5), dbSNP rs757155810, ClinGen allele CA2690429.

ClinVar aggregate classification (germline): Uncertain significance. Review status: criteria provided, multiple submitters, no conflicts (2 of 4 stars). 2 submissions from 2 submitters: Uncertain significance (2). Last evaluated 2022-04-16.

Conditions:
Sucrase-isomaltase deficiency (CSID). Also called: SI DEFICIENCY; Deficiency of isomaltase; Congenital sucrose isomaltose malabsorption; Sucrose isomaltose enzyme deficiency. Identifiers: Orphanet 35122, MedGen C1283620, MONDO:0009114, OMIM 222900.

Allele frequency attached by ClinVar (database versions not stated): ExAC 0.00001; gnomAD exomes 0.00002; TOPMed 0.00002; gnomAD 0.00003.
gnomAD v4.1: 39 of 1,610,602 alleles (0.0024%); highest among the groups gnomAD compares: Admixed American, 0.005%; no homozygotes.

Submissions (2):

Labcorp Genetics (formerly Invitae), Labcorp
Classification: Uncertain significance. Last evaluated: 2022-04-16. Review status: criteria provided, single submitter. Criteria: Invitae Variant Classification Sherloc (09022015). Collection method: clinical testing. Allele origin: germline.
Comment: This sequence change replaces arginine, which is basic and polar, with histidine, which is basic and polar, at codon 989 of the SI protein (p.Arg989His). This variant is present in population databases (rs757155810, gnomAD 0.006%). This variant has not been reported in the literature in individuals affected with SI-related conditions. ClinVar contains an entry for this variant (Variation ID: 900631). Advanced modeling of protein sequence and biophysical properties (such as structural, functional, and spatial information, amino acid conservation, physicochemical variation, residue mobility, and thermodynamic stability) performed at Invitae indicates that this missense variant is not expected to disrupt SI protein function. In summary, the available evidence is currently insufficient to determine the role of this variant in disease. Therefore, it has been classified as a Variant of Uncertain Significance.

Illumina Laboratory Services, Illumina
Classification: Uncertain significance for Sucrase-isomaltase deficiency. Last evaluated: 2018-01-12. Review status: criteria provided, single submitter. Criteria: ICSL Variant Classification Criteria 13 December 2019. Collection method: clinical testing. Allele origin: germline.